The following is an entry in ClinVar:

NM_000350.3(ABCA4):c.3608-1G>A

Genes: ABCA4 (ATP binding cassette subfamily A member 4; minus strand), LOC126805794 (BRD4-independent group 4 enhancer GRCh37_chr1:94502188-94503387; plus strand). Cytogenetic location: 1p22.1.
Variant type: single nucleotide variant.
Coding change: c.3608-1G>A on transcript NM_000350.3 (MANE Select); the canonical splice acceptor site of the intron before coding-DNA position 3608, G replaced by A.
Molecular consequence: splice acceptor variant.
Genome position (GRCh38, 1-based): chr1:94,037,351, C>T on the plus strand (G>A on the coding strand, the complement: ABCA4 is on the minus strand). VCF-style: chr1-94037351-C-T. GRCh37 (hg19) VCF-style: chr1-94502907-C-T.
Identifiers: ClinVar variation 1804173 (VCV001804173.1), dbSNP rs2523752501, ClinGen allele CA341289687.

ClinVar aggregate classification (germline): Pathogenic (0 of 4 stars; one submission).

Conditions:
Stargardt disease (FFM). Also called: Stargardt's disease; Fundus flavimaculatus. Identifiers: Orphanet 827, MedGen C0271093, MONDO:0019353.

Submission:

Ophthalmo-Genetics Lab, Instituto de Oftalmologia Conde de Valenciana
Classification: Pathogenic for Stargardt disease. Last evaluated: 2022-12-19. Review status: no assertion criteria provided. Collection method: research. Allele origin: biparental. Inheritance: Autosomal recessive inheritance. Affected: yes. Observed: 1 compound heterozygote.
Comment: PP4, PVS1,PM2 ACMG Criteria

Literature cited by the submitters: PubMed 30578500.